The following is an entry in ClinVar:

ClinVar aggregate classification (germline): Uncertain significance (1 of 4 stars; one submission).

gnomAD v4.1: 4 of 1,614,048 alleles (0.00025%); highest among the groups gnomAD compares: Non-Finnish European, 0.00034%; no homozygotes.

Submission:

Labcorp Genetics (formerly Invitae), Labcorp
Classification: Uncertain significance. Last evaluated: 2024-12-12. Review status: criteria provided, single submitter. Criteria: Invitae Variant Classification Sherloc (09022015). Collection method: clinical testing. Allele origin: germline.
Comment: This sequence change replaces arginine, which is basic and polar, with cysteine, which is neutral and slightly polar, at codon 1048 of the ITPR1 protein (p.Arg1048Cys). This variant is not present in population databases (gnomAD no frequency). This variant has not been reported in the literature in individuals affected with ITPR1-related conditions. Invitae Evidence Modeling of protein sequence and biophysical properties (such as structural, functional, and spatial information, amino acid conservation, physicochemical variation, residue mobility, and thermodynamic stability) has been performed for this missense variant. However, the output from this modeling did not meet the statistical confidence thresholds required to predict the impact of this variant on ITPR1 protein function. In summary, the available evidence is currently insufficient to determine the role of this variant in disease. Therefore, it has been classified as a Variant of Uncertain Significance.

NM_001378452.1(ITPR1):c.3214C>T (p.Arg1072Cys)

Gene: ITPR1 (inositol 1,4,5-trisphosphate receptor type 1; plus strand). Cytogenetic location: 3p26.1.
Variant type: single nucleotide variant.
Coding change: c.3214C>T on transcript NM_001378452.1 (MANE Select); coding-DNA position 3214, C replaced by T.
Protein change: p.Arg1072Cys; replaces arginine 1072 with cysteine.
Molecular consequence: missense variant.
Genome position (GRCh38, 1-based): chr3:4,683,438, C>T. VCF-style: chr3-4683438-C-T. GRCh37 (hg19) VCF-style: chr3-4725122-C-T.
Other names: c.3187C>T, p.Arg1063Cys (NM_001099952.4); c.3169C>T, p.Arg1057Cys (NM_001168272.2); c.3142C>T, p.Arg1048Cys (NM_002222.7); short protein forms R1048C, R1057C, R1063C, R1072C.
Identifiers: ClinVar variation 3626012 (VCV003626012.1).